The following is an entry in ClinVar:

NM_000245.4(MET):c.459C>A (p.Asp153Glu)

Gene: MET (MET proto-oncogene, receptor tyrosine kinase; plus strand). Cytogenetic location: 7q31.2.
Variant type: single nucleotide variant.
Coding change: c.459C>A on transcript NM_000245.4 (MANE Select); coding-DNA position 459, C replaced by A.
Protein change: p.Asp153Glu; replaces aspartic acid 153 with glutamic acid.
Molecular consequence: missense variant. On other transcripts: intron variant (1).
Genome position (GRCh38, 1-based): chr7:116,699,543, C>A. VCF-style: chr7-116699543-C-A. GRCh37 (hg19) VCF-style: chr7-116339597-C-A.
Other names: c.459C>A, p.Asp153Glu (NM_001127500.3, NM_001324401.3); c.-91+26966C>A (NM_001324402.2); short protein forms D153E.
Identifiers: ClinVar variation 2453418 (VCV002453418.2), dbSNP rs2116589366, ClinGen allele CA368969127.

ClinVar aggregate classification (germline): Uncertain significance (1 of 4 stars; one submission).

Conditions:
Hereditary cancer-predisposing syndrome. Also called: Neoplastic Syndromes, Hereditary; Tumor predisposition; Hereditary neoplastic syndrome; Hereditary Cancer Syndrome. Identifiers: Orphanet 140162, MedGen C0027672, MeSH D009386, MONDO:0015356.

Submission:

Ambry Genetics
Classification: Uncertain significance for Hereditary cancer-predisposing syndrome. Last evaluated: 2023-03-02. Review status: criteria provided, single submitter. Criteria: Ambry Variant Classification Scheme 2023. Collection method: clinical testing. Allele origin: germline.
Comment: The p.D153E variant (also known as c.459C>A), located in coding exon 1 of the MET gene, results from a C to A substitution at nucleotide position 459. The aspartic acid at codon 153 is replaced by glutamic acid, an amino acid with highly similar properties. This amino acid position is well conserved in available vertebrate species. In addition, this alteration is predicted to be tolerated by in silico analysis. Since supporting evidence is limited at this time, the clinical significance of this alteration remains unclear.